The following is an entry in ClinVar:

ClinVar aggregate classification (germline): Uncertain significance. Review status: criteria provided, multiple submitters, no conflicts (2 of 4 stars). 2 submissions from 2 submitters: Uncertain significance (2). Last evaluated 2024-04-30.

Conditions:
Fanconi anemia (FA). Also called: Fanconi's anemia. Identifiers: Orphanet 84, MedGen C0015625, MeSH D005199, MONDO:0019391.
Fanconi anemia complementation group I (FANCI). Also called: FANCI-Related Fanconi Anemia. Identifiers: Orphanet 84, MedGen C1836861, MONDO:0012186, OMIM 609053.

gnomAD v4.1: 1 of 1,614,114 alleles (0.000062%); highest among the groups gnomAD compares: Non-Finnish European, 0.000085%; no homozygotes.

Submissions (2):

Fulgent Genetics
Classification: Uncertain significance for Fanconi anemia complementation group I. Last evaluated: 2024-04-30. Review status: criteria provided, single submitter. Criteria: ACMG Guidelines, 2015. Collection method: clinical testing. Allele origin: germline.

Labcorp Genetics (formerly Invitae), Labcorp
Classification: Uncertain significance for Fanconi anemia. Last evaluated: 2022-03-15. Review status: criteria provided, single submitter. Criteria: Invitae Variant Classification Sherloc (09022015). Collection method: clinical testing. Allele origin: germline.
Comment: In summary, the available evidence is currently insufficient to determine the role of this variant in disease. Therefore, it has been classified as a Variant of Uncertain Significance. Algorithms developed to predict the effect of missense changes on protein structure and function output the following: SIFT: "Tolerated"; PolyPhen-2: "Benign"; Align-GVGD: "Class C0". The threonine amino acid residue is found in multiple mammalian species, which suggests that this missense change does not adversely affect protein function. This variant has not been reported in the literature in individuals affected with FANCI-related conditions. This variant is not present in population databases (gnomAD no frequency). This sequence change replaces alanine, which is neutral and non-polar, with threonine, which is neutral and polar, at codon 1119 of the FANCI protein (p.Ala1119Thr).

NM_001113378.2(FANCI):c.3355G>A (p.Ala1119Thr)

Gene: FANCI (FA complementation group I; plus strand). Cytogenetic location: 15q26.1.
Variant type: single nucleotide variant.
Coding change: c.3355G>A on transcript NM_001113378.2 (MANE Select); coding-DNA position 3355, G replaced by A.
Protein change: p.Ala1119Thr; replaces alanine 1119 with threonine.
Molecular consequence: missense variant.
Genome position (GRCh38, 1-based): chr15:89,306,012, G>A. VCF-style: chr15-89306012-G-A. GRCh37 (hg19) VCF-style: chr15-89849243-G-A.
Other names: c.3076G>A, p.Ala1026Thr (NM_001376910.1); c.3355G>A, p.Ala1119Thr (NM_001376911.1); c.3175G>A, p.Ala1059Thr (NM_018193.3); short protein forms A1026T, A1059T, A1119T.
Identifiers: ClinVar variation 2163863 (VCV002163863.5), dbSNP rs369990131, ClinGen allele CA393740279.